The following is an entry in ClinVar:

NM_004371.4(COPA):c.901C>A (p.Pro301Thr)

Gene: COPA (coat protein complex I subunit alpha; minus strand). Cytogenetic location: 1q23.2.
Variant type: single nucleotide variant.
Coding change: c.901C>A on transcript NM_004371.4 (MANE Select); coding-DNA position 901, C replaced by A.
Protein change: p.Pro301Thr; replaces proline 301 with threonine.
Molecular consequence: missense variant.
Genome position (GRCh38, 1-based): chr1:160,313,109, G>T on the plus strand (C>A on the coding strand, the complement: COPA is on the minus strand). VCF-style: chr1-160313109-G-T. GRCh37 (hg19) VCF-style: chr1-160282899-G-T.
Other names: c.901C>A, p.Pro301Thr (NM_001098398.2); short protein forms P301T.
Identifiers: ClinVar variation 3715842 (VCV003715842.2).
Genomic context (GRCh38, chr1:160,313,109, plus strand): 5'-ATTAAGCAAAGAAAAAAGAGAGAAAATGGCCCTTACCTGCTGCAAAGAGGTTAAGGTTAG[G>T]GTGAGCAGCTAGGACCCAGAAACGATCATGGTCTCTGCGGAAAGTCTGAACCCCAGTCCT-3'
Protein context (NP_004362.2, residues 291-311): HDRFWVLAAH[Pro301Thr]NLNLFAAGHD

ClinVar aggregate classification (germline): Uncertain significance (1 of 4 stars; one submission).

Conditions:
Autoimmune interstitial lung disease-arthritis syndrome. Also called: Autoinflammation and autoimmunity, systemic, with immune dysregulation. Identifiers: Orphanet 444092, MedGen C5975714, MONDO:0014629.

gnomAD v4.1: 3 of 1,613,948 alleles (0.00019%); highest among the groups gnomAD compares: Admixed American, 0.0017%; no homozygotes.

Submission:

Labcorp Genetics (formerly Invitae), Labcorp
Classification: Uncertain significance for Autoimmune interstitial lung disease-arthritis syndrome. Last evaluated: 2024-02-28. Review status: criteria provided, single submitter. Criteria: Invitae Variant Classification Sherloc (09022015). Collection method: clinical testing. Allele origin: germline.
Comment: This sequence change replaces proline, which is neutral and non-polar, with threonine, which is neutral and polar, at codon 301 of the COPA protein (p.Pro301Thr). This variant is present in population databases (no rsID available, gnomAD 0.002%). This variant has not been reported in the literature in individuals affected with COPA-related conditions. Advanced modeling of protein sequence and biophysical properties (such as structural, functional, and spatial information, amino acid conservation, physicochemical variation, residue mobility, and thermodynamic stability) performed at Invitae indicates that this missense variant is expected to disrupt COPA protein function with a positive predictive value of 80%. In summary, the available evidence is currently insufficient to determine the role of this variant in disease. Therefore, it has been classified as a Variant of Uncertain Significance.